The following is an entry in ClinVar:

NM_024577.4(SH3TC2):c.1A>G (p.Met1Val)

Gene: SH3TC2 (SH3 domain and tetratricopeptide repeats 2; minus strand). Cytogenetic location: 5q32.
Variant type: single nucleotide variant.
Coding change: c.1A>G on transcript NM_024577.4 (MANE Select); coding-DNA position 1, A replaced by G.
Protein change: p.Met1Val; changes the start codon (methionine 1).
Molecular consequence: missense variant, initiator codon variant.
Genome position (GRCh38, 1-based): chr5:149,063,022, T>C on the plus strand (A>G on the coding strand, the complement: SH3TC2 is on the minus strand). VCF-style: chr5-149063022-T-C. GRCh37 (hg19) VCF-style: chr5-148442585-T-C.
Other names: short protein forms M1V.
Identifiers: ClinVar variation 218918 (VCV000218918.13), dbSNP rs864309709, ClinGen allele CA339657.

ClinVar aggregate classification (germline): Pathogenic/Likely pathogenic. Review status: criteria provided, multiple submitters, no conflicts (2 of 4 stars). 3 submissions from 3 submitters: Pathogenic (2); Likely pathogenic (1). Last evaluated 2024-02-13.

Conditions:
Susceptibility to mononeuropathy of the median nerve, mild. Also called: CARPAL TUNNEL SYNDROME, SUSCEPTIBILITY TO. Identifiers: MedGen C3150596, MONDO:0013237, OMIM 613353.
Charcot-Marie-Tooth disease type 4C (CMT4C). Also called: Charcot-Marie-Tooth Neuropathy Type 4C (CMT4C); CHARCOT-MARIE-TOOTH DISEASE, DEMYELINATING, TYPE 4C; CHARCOT-MARIE-TOOTH DISEASE, DEMYELINATING, AUTOSOMAL RECESSIVE, TYPE 4C; SH3TC2-Related Hereditary Motor and Sensory Neuropathy; CMT 4C. Identifiers: Orphanet 99949, MedGen C1866636, MONDO:0011113, OMIM 601596.
Charcot-Marie-Tooth disease type 4. Also called: Charcot-Marie-Tooth disease, type IV; Charcot-Marie-Tooth, Type 4. Identifiers: Orphanet 64749, MedGen C4082197, MONDO:0018995.

Allele frequency attached by ClinVar (database versions not stated): gnomAD exomes below 0.00001.

Submissions (3):

Fulgent Genetics
Classification: Pathogenic for Charcot-Marie-Tooth disease type 4C; Susceptibility to mononeuropathy of the median nerve, mild. Last evaluated: 2024-02-13. Review status: criteria provided, single submitter. Criteria: ACMG Guidelines, 2015. Collection method: clinical testing. Allele origin: germline.

Labcorp Genetics (formerly Invitae), Labcorp
Classification: Pathogenic for Charcot-Marie-Tooth disease type 4. Last evaluated: 2019-11-20. Review status: criteria provided, single submitter. Criteria: Invitae Variant Classification Sherloc (09022015). Collection method: clinical testing. Allele origin: germline.
Comment: For these reasons, this variant has been classified as Pathogenic. Algorithms developed to predict the effect of sequence changes on RNA splicing suggest that this variant may create or strengthen a splice site, but this prediction has not been confirmed by published transcriptional studies. This variant has been observed in individual(s) with Charcot-Marie-Tooth disease (PMID: 23806086). In at least one individual the data is consistent with the variant being in trans (on the opposite chromosome) from a pathogenic variant. It has also been observed to segregate with disease in related individuals. ClinVar contains an entry for this variant (Variation ID: 218918). This variant is not present in population databases (ExAC no frequency). This sequence change affects the initiator methionine of the SH3TC2 mRNA. The next in-frame methionine is located at codon 90.

Lupski Lab, Baylor-Hopkins CMG, Baylor College of Medicine
Classification: Likely pathogenic for Charcot-Marie-Tooth disease type 4C. Last evaluated: 2013-03-11. Review status: criteria provided, single submitter. Criteria: Lupski et al. (Genome Med. 2013). Collection method: research. Allele origin: de novo. Affected: yes and no. Observed: 6 variant alleles, 2 heterozygotes, 4 compound heterozygotes.

Literature cited by the submitters: PubMed 23806086 (cited by Labcorp Genetics (formerly Invitae), Labcorp).